The following is an entry in ClinVar:

NM_000088.4(COL1A1):c.2434G>A (p.Gly812Ser)

Gene: COL1A1 (collagen type I alpha 1 chain; minus strand). Cytogenetic location: 17q21.33.
Variant type: single nucleotide variant.
Coding change: c.2434G>A on transcript NM_000088.4 (MANE Select); coding-DNA position 2434, G replaced by A.
Protein change: p.Gly812Ser; replaces glycine 812 with serine.
Molecular consequence: missense variant.
Genome position (GRCh38, 1-based): chr17:50,190,344, C>T on the plus strand (G>A on the coding strand, the complement: COL1A1 is on the minus strand). VCF-style: chr17-50190344-C-T. GRCh37 (hg19) VCF-style: chr17-48267705-C-T.
Other names: c.2434G>A (NM_000088.3); short protein forms G812S.
Identifiers: ClinVar variation 281901 (VCV000281901.7), dbSNP rs886042260, ClinGen allele CA10603999.

ClinVar aggregate classification (germline): Pathogenic/Likely pathogenic. Review status: criteria provided, multiple submitters, no conflicts (2 of 4 stars). 3 submissions from 3 submitters: Pathogenic (1); Likely pathogenic (2). Last evaluated 2023-11-28.

Conditions:
COL1A1-related disorder. Also called: COL1A1- related disease; COL1A1-related condition.
Osteogenesis imperfecta (OI). Identifiers: Orphanet 666, MedGen C0029434, MeSH D010013, MONDO:0019019.

Submissions (3):

Women's Health and Genetics/Laboratory Corporation of America, LabCorp
Classification: Likely pathogenic for Osteogenesis imperfecta. Last evaluated: 2023-11-28. Review status: criteria provided, single submitter. Criteria: LabCorp Variant Classification Summary - May 2015. Collection method: clinical testing. Allele origin: germline.
Comment: Variant summary: COL1A1 c.2434G>A (p.Gly812Ser) results in a non-conservative amino acid change located in the Collagen triple helix repeat (IPR008160) of the encoded protein sequence. This missense variant disrupts a critical Gly residue at position 1 of a Gly-X-Y repeat in the collagenous domain, and most COL1A1 mutations in Osteogenesis imperfecta patients have been reported to disrupt these position-1 Glycine residues (HGMD database). Five of five in-silico tools predict a damaging effect of the variant on protein function. The variant was absent in 979554 control chromosomes (gnomAD v4). c.2434G>A has been reported in the literature in several individuals affected with Osteogenesis Imperfecta (e.g., Zhytnik_2019, Li_2019, Mei_2022). These data indicate that the variant is likely to be associated with disease. To our knowledge, no experimental evidence demonstrating an impact on protein function has been reported. The following publications have been ascertained in the context of this evaluation (PMID: 30614853, 35909573, 31447884). Two submitters have reported clinical-significance assessments for this variant to ClinVar after 2014. All submitters classified the variant as pathogenic/likely pathogenic. Based on the evidence outlined above, the variant was classified as likely pathogenic.

PreventionGenetics, part of Exact Sciences
Classification: Pathogenic for COL1A1-related condition. Last evaluated: 2023-05-30. Review status: criteria provided, single submitter. Criteria: ACMG Guidelines, 2015. Collection method: clinical testing. Allele origin: germline.
Comment: The COL1A1 c.2434G>A variant is predicted to result in the amino acid substitution p.Gly812Ser. This variant was reported in two individuals with Osteogenesis imperfecta III (Li et al 2019. PubMed ID: 30614853; Zhytnik L et al 2019. PubMed ID: 31447884). The p.Gly812 amino acid is located in the conserved Gly-Xaa-Yaa triple helical domain where substitutions of a glycine are usually pathogenic (Marini et al. 2007. PubMed ID: 17078022). This variant has not been reported in a large population database, indicating this variant is rare. This variant is interpreted as pathogenic.

Eurofins Ntd Llc (ga)
Classification: Likely pathogenic. Last evaluated: 2015-07-16. Review status: criteria provided, single submitter. Criteria: EGL Classification Definitions 2015. Collection method: clinical testing. Allele origin: germline. Observed: 1 variant allele, 1 heterozygote.

Literature cited by the submitters: PubMed 30614853 (cited by Women's Health and Genetics/Laboratory Corporation of America, LabCorp); PubMed 35909573 (cited by Women's Health and Genetics/Laboratory Corporation of America, LabCorp); PubMed 31447884 (cited by Women's Health and Genetics/Laboratory Corporation of America, LabCorp).